The following is an entry in ClinVar:

NM_002335.4(LRP5):c.797G>T (p.Arg266Leu)

Gene: LRP5 (LDL receptor related protein 5; plus strand). Cytogenetic location: 11q13.2.
Variant type: single nucleotide variant.
Coding change: c.797G>T on transcript NM_002335.4 (MANE Select); coding-DNA position 797, G replaced by T.
Protein change: p.Arg266Leu; replaces arginine 266 with leucine.
Molecular consequence: missense variant. On other transcripts: 5 prime UTR variant (1).
Genome position (GRCh38, 1-based): chr11:68,363,857, G>T. VCF-style: chr11-68363857-G-T. GRCh37 (hg19) VCF-style: chr11-68131325-G-T.
Other names: c.-969G>T (NM_001291902.2); short protein forms R266L.
Identifiers: ClinVar variation 3012522 (VCV003012522.3), dbSNP rs1410398990, ClinGen allele CA381611136.
Genomic context (GRCh38, chr11:68,363,857, plus strand): 5'-CCGGGGACACTCTGTACTGGACAGACTGGCAGACCCGCTCCATCCATGCCTGCAACAAGC[G>T]CACTGGGGGGAAGAGGAAGGAGATCCTGAGTGCCCTCTACTCACCCATGGACATCCAGGT-3'
Protein context (NP_002326.2, residues 256-276): QTRSIHACNK[Arg266Leu]TGGKRKEILS

ClinVar aggregate classification (germline): Uncertain significance (1 of 4 stars; one submission).

gnomAD v4.1: 1 of 1,613,138 alleles (0.000062%); highest among the groups gnomAD compares: Non-Finnish European, 0.000085%; no homozygotes.

Submission:

Labcorp Genetics (formerly Invitae), Labcorp
Classification: Uncertain significance. Last evaluated: 2024-05-22. Review status: criteria provided, single submitter. Criteria: Invitae Variant Classification Sherloc (09022015). Collection method: clinical testing. Allele origin: germline.
Comment: This sequence change replaces arginine, which is basic and polar, with leucine, which is neutral and non-polar, at codon 266 of the LRP5 protein (p.Arg266Leu). This variant is not present in population databases (gnomAD no frequency). This variant has not been reported in the literature in individuals affected with LRP5-related conditions. Advanced modeling of protein sequence and biophysical properties (such as structural, functional, and spatial information, amino acid conservation, physicochemical variation, residue mobility, and thermodynamic stability) performed at Invitae indicates that this missense variant is not expected to disrupt LRP5 protein function with a negative predictive value of 95%. In summary, the available evidence is currently insufficient to determine the role of this variant in disease. Therefore, it has been classified as a Variant of Uncertain Significance.